The following is an entry in ClinVar:

NM_000038.6(APC):c.8264C>A (p.Ser2755Tyr)

Gene: APC (APC regulator of Wnt signaling pathway; plus strand). Cytogenetic location: 5q22.2.
Variant type: single nucleotide variant.
Coding change: c.8264C>A on transcript NM_000038.6 (MANE Select); coding-DNA position 8264, C replaced by A.
Protein change: p.Ser2755Tyr; replaces serine 2755 with tyrosine.
Molecular consequence: missense variant.
Genome position (GRCh38, 1-based): chr5:112,843,858, C>A. VCF-style: chr5-112843858-C-A. GRCh37 (hg19) VCF-style: chr5-112179555-C-A.
Other names: c.8264C>A, p.Ser2755Tyr (NM_001127510.3, NM_001354895.2); c.8210C>A, p.Ser2737Tyr (NM_001127511.3); c.8318C>A, p.Ser2773Tyr (NM_001354896.2); c.8294C>A, p.Ser2765Tyr (NM_001354897.2); c.8189C>A, p.Ser2730Tyr (NM_001354898.2); c.8180C>A, p.Ser2727Tyr (NM_001354899.2); c.8141C>A, p.Ser2714Tyr (NM_001354900.2); c.8087C>A, p.Ser2696Tyr (NM_001354901.2); and 6 more; short protein forms S2472Y, S2595Y, S2629Y, S2654Y, S2664Y, S2696Y, S2714Y, S2727Y.
Identifiers: ClinVar variation 1692439 (VCV001692439.5), dbSNP rs1383526361, ClinGen allele CA16039266.

ClinVar aggregate classification (germline): Uncertain significance. Review status: criteria provided, multiple submitters, no conflicts (2 of 4 stars). 3 submissions from 3 submitters: Uncertain significance (3). Last evaluated 2024-04-12.

Conditions:
Hereditary cancer-predisposing syndrome. Also called: Hereditary Cancer Syndrome; Hereditary neoplastic syndrome; Neoplastic Syndromes, Hereditary; Tumor predisposition. Identifiers: Orphanet 140162, MedGen C0027672, MeSH D009386, MONDO:0015356.
Familial adenomatous polyposis 1 (FAP1). Also called: FAMILIAL ADENOMATOUS POLYPOSIS 1, ATTENUATED; POLYPOSIS, ADENOMATOUS INTESTINAL. Identifiers: MedGen C2713442, MONDO:0021056, OMIM 175100. Disease mechanism: loss of function.

Submissions (3):

Ambry Genetics
Classification: Uncertain significance for Hereditary cancer-predisposing syndrome. Last evaluated: 2024-04-12. Review status: criteria provided, single submitter. Criteria: Ambry Variant Classification Scheme 2023. Collection method: clinical testing. Allele origin: germline.
Comment: The p.S2755Y variant (also known as c.8264C>A), located in coding exon 15 of the APC gene, results from a C to A substitution at nucleotide position 8264. The serine at codon 2755 is replaced by tyrosine, an amino acid with dissimilar properties. This amino acid position is not well conserved in available vertebrate species. In addition, in silico predictors for this gene do not accurately predict pathogenicity. Missense alterations in APC are not a common cause of disease (Spier I et al. Genet Med. 2024 Feb;26(2):100992). Based on the available evidence, the clinical significance of this variant remains unclear.

Labcorp Genetics (formerly Invitae), Labcorp
Classification: Uncertain significance for Familial adenomatous polyposis 1. Last evaluated: 2023-04-06. Review status: criteria provided, single submitter. Criteria: Invitae Variant Classification Sherloc (09022015). Collection method: clinical testing. Allele origin: germline.
Comment: This sequence change replaces serine, which is neutral and polar, with tyrosine, which is neutral and polar, at codon 2755 of the APC protein (p.Ser2755Tyr). This variant is not present in population databases (gnomAD no frequency). This variant has not been reported in the literature in individuals affected with APC-related conditions. ClinVar contains an entry for this variant (Variation ID: 1692439). Advanced modeling of protein sequence and biophysical properties (such as structural, functional, and spatial information, amino acid conservation, physicochemical variation, residue mobility, and thermodynamic stability) performed at Invitae indicates that this missense variant is not expected to disrupt APC protein function. In summary, the available evidence is currently insufficient to determine the role of this variant in disease. Therefore, it has been classified as a Variant of Uncertain Significance.

Sema4
Classification: Uncertain significance for Hereditary cancer-predisposing syndrome. Last evaluated: 2022-03-16. Review status: criteria provided, single submitter. Criteria: Sema4 Curation Guidelines. Collection method: curation. Allele origin: germline.
Comment: The APC c.8264C>A (p.S2755Y) variant has not been reported in the literature to our knowledge. It was not observed in the large and broad cohorts of the Genome Aggregation Database (PMID: 32461654). The variant has not been reported in ClinVar. Functional studies have not been performed, and in silico predictions of the variant's effect on protein function are inconclusive. The evidence is insufficient to meet ACMG/AMP criteria for classifying the variant as benign or pathogenic. Thus, the clinical significance of this variant is currently uncertain.